The following is an entry in ClinVar:

ClinVar aggregate classification (germline): Likely benign. Review status: criteria provided, multiple submitters, no conflicts (2 of 4 stars). 2 submissions from 2 submitters: Likely benign (2). Last evaluated 2024-08-08.

Conditions:
Tuberous sclerosis 1 (TSC1). Identifiers: Orphanet 805, MedGen C1854465, MONDO:0008612, OMIM 191100.

Allele frequency attached by ClinVar (database versions not stated): gnomAD 0.00001; TOPMed 0.00002; ExAC 0.00003.

Submissions (2):

Myriad Genetics, Inc.
Classification: Likely benign for Tuberous sclerosis 1. Last evaluated: 2024-08-08. Review status: criteria provided, single submitter. Criteria: Myriad Autosomal Dominant, Autosomal Recessive and X-Linked Classification Criteria (2023). Collection method: clinical testing. Allele origin: unknown.
Comment: This variant is considered likely benign. This variant has been observed at a population frequency that is significantly greater than expected given the associated disease prevalence and penetrance.

GeneDx
Classification: Likely benign. Last evaluated: 2017-11-28. Review status: criteria provided, single submitter. Criteria: GeneDx Variant Classification (06012015). Collection method: clinical testing. Allele origin: germline. Affected: yes.
Comment: This variant is considered likely benign or benign based on one or more of the following criteria: it is a conservative change, it occurs at a poorly conserved position in the protein, it is predicted to be benign by multiple in silico algorithms, and/or has population frequency not consistent with disease.

NM_000368.5(TSC1):c.-17C>T

Gene: TSC1 (TSC complex subunit 1; minus strand). Cytogenetic location: 9q34.13.
Variant type: single nucleotide variant.
Coding change: c.-17C>T on transcript NM_000368.5 (MANE Select); 17 bases upstream of the start codon, C replaced by T.
Molecular consequence: 5 prime UTR variant.
Genome position (GRCh38, 1-based): chr9:132,928,889, G>A on the plus strand (C>T on the coding strand, the complement: TSC1 is on the minus strand). VCF-style: chr9-132928889-G-A. GRCh37 (hg19) VCF-style: chr9-135804276-G-A.
Other names: c.-17C>T (NM_001162426.2, NM_001162427.2); c.-276C>T (NM_001362177.2).
Identifiers: ClinVar variation 516768 (VCV000516768.2), dbSNP rs768441689, ClinGen allele CA029803.